The following is an entry in ClinVar:

ClinVar aggregate classification (germline): Likely benign. Review status: criteria provided, multiple submitters, no conflicts (2 of 4 stars). 2 submissions from 2 submitters: Likely benign (2). Last evaluated 2023-08-02.

Allele frequency attached by ClinVar (database versions not stated): TOPMed below 0.00001; gnomAD exomes 0.00001.
gnomAD v4.1: 3 of 1,553,360 alleles (0.00019%); highest among the groups gnomAD compares: African/African-American, 0.0041%; no homozygotes.

Submissions (2):

Labcorp Genetics (formerly Invitae), Labcorp
Classification: Likely benign. Last evaluated: 2023-08-02. Review status: criteria provided, single submitter. Criteria: Invitae Variant Classification Sherloc (09022015). Collection method: clinical testing. Allele origin: germline.

Laboratory for Molecular Medicine, Mass General Brigham Personalized Medicine
Classification: Likely benign. Last evaluated: 2014-12-06. Review status: criteria provided, single submitter. Criteria: LMM Criteria. Collection method: clinical testing. Allele origin: germline. Observed: 1 variant allele.
Comment: c.7893+14G>A in intron 41 of MYO15A: This variant is not expected to have clinic al significance because it is not located within the splice consensus sequence.

NM_016239.4(MYO15A):c.7893+14G>A

Gene: MYO15A (myosin XVA; plus strand). Cytogenetic location: 17p11.2.
Variant type: single nucleotide variant.
Coding change: c.7893+14G>A on transcript NM_016239.4 (MANE Select); 14 bases into the intron after coding-DNA position 7893, G replaced by A.
Molecular consequence: intron variant.
Genome position (GRCh38, 1-based): chr17:18,151,965, G>A. VCF-style: chr17-18151965-G-A. GRCh37 (hg19) VCF-style: chr17-18055279-G-A.
Identifiers: ClinVar variation 164553 (VCV000164553.7), dbSNP rs727503317, ClinGen allele CA177254.